The following is an entry in ClinVar:

ClinVar aggregate classification (germline): Uncertain significance (1 of 4 stars; one submission).

Conditions:
Multiple congenital anomalies-hypotonia-seizures syndrome 1 (MCAHS1). Also called: GLYCOSYLPHOSPHATIDYLINOSITOL BIOSYNTHESIS DEFECT 3; PIGN-CDG; Congenital disorder of glycosylation due to PIGN deficiency. Identifiers: Orphanet 280633, MedGen C3279775, MONDO:0013563, OMIM 614080.

Allele frequency attached by ClinVar (database versions not stated): gnomAD exomes below 0.00001; ExAC 0.00004.
gnomAD v4.1: 1 of 1,548,348 alleles (0.000065%); highest among the groups gnomAD compares: Admixed American, 0.0019%; no homozygotes.

Submission:

Labcorp Genetics (formerly Invitae), Labcorp
Classification: Uncertain significance for Multiple congenital anomalies-hypotonia-seizures syndrome 1. Last evaluated: 2022-08-22. Review status: criteria provided, single submitter. Criteria: Invitae Variant Classification Sherloc (09022015). Collection method: clinical testing. Allele origin: germline.
Comment: This sequence change replaces leucine, which is neutral and non-polar, with proline, which is neutral and non-polar, at codon 830 of the PIGN protein (p.Leu830Pro). The frequency data for this variant in the population databases is considered unreliable, as metrics indicate poor data quality at this position in the gnomAD database. This variant has not been reported in the literature in individuals affected with PIGN-related conditions. Algorithms developed to predict the effect of missense changes on protein structure and function are either unavailable or do not agree on the potential impact of this missense change (SIFT: "Not Available"; PolyPhen-2: "Probably Damaging"; Align-GVGD: "Not Available"). In summary, the available evidence is currently insufficient to determine the role of this variant in disease. Therefore, it has been classified as a Variant of Uncertain Significance.

NM_176787.5(PIGN):c.2489T>C (p.Leu830Pro)

Gene: PIGN (phosphatidylinositol glycan anchor biosynthesis class N; minus strand). Cytogenetic location: 18q21.33.
Variant type: single nucleotide variant.
Coding change: c.2489T>C on transcript NM_176787.5 (MANE Select); coding-DNA position 2489, T replaced by C.
Protein change: p.Leu830Pro; replaces leucine 830 with proline.
Molecular consequence: missense variant.
Genome position (GRCh38, 1-based): chr18:62,084,544, A>G on the plus strand (T>C on the coding strand, the complement: PIGN is on the minus strand). VCF-style: chr18-62084544-A-G. GRCh37 (hg19) VCF-style: chr18-59751777-A-G.
Other names: c.2489T>C, p.Leu830Pro (NM_012327.6); short protein forms L830P.
Identifiers: ClinVar variation 1715140 (VCV001715140.3), dbSNP rs763343588, ClinGen allele CA8981970.